The following is an entry in ClinVar:

ClinVar aggregate classification (germline): Uncertain significance (1 of 4 stars; one submission).

Allele frequency attached by ClinVar (database versions not stated): gnomAD exomes below 0.00001; gnomAD 0.00001.
gnomAD v4.1: 2 of 1,613,968 alleles (0.00012%); no homozygotes.

Submission:

Labcorp Genetics (formerly Invitae), Labcorp
Classification: Uncertain significance. Last evaluated: 2021-01-07. Review status: criteria provided, single submitter. Criteria: Invitae Variant Classification Sherloc (09022015). Collection method: clinical testing. Allele origin: germline.
Comment: This sequence change replaces glycine with serine at codon 17 of the ELP1 protein (p.Gly17Ser). The glycine residue is weakly conserved and there is a small physicochemical difference between glycine and serine. This variant is not present in population databases (ExAC no frequency). In summary, the available evidence is currently insufficient to determine the role of this variant in disease. Therefore, it has been classified as a Variant of Uncertain Significance. Algorithms developed to predict the effect of missense changes on protein structure and function (SIFT, PolyPhen-2, Align-GVGD) all suggest that this variant is likely to be tolerated, but these predictions have not been confirmed by published functional studies and their clinical significance is uncertain. This variant has not been reported in the literature in individuals with ELP1-related conditions.

NM_003640.5(ELP1):c.49G>A (p.Gly17Ser)

Gene: ELP1 (elongator acetyltransferase complex subunit 1; minus strand). Cytogenetic location: 9q31.3.
Variant type: single nucleotide variant.
Coding change: c.49G>A on transcript NM_003640.5 (MANE Select); coding-DNA position 49, G replaced by A.
Protein change: p.Gly17Ser; replaces glycine 17 with serine.
Molecular consequence: missense variant. On other transcripts: 5 prime UTR variant (1), intron variant (1).
Genome position (GRCh38, 1-based): chr9:108,931,098, C>T on the plus strand (G>A on the coding strand, the complement: ELP1 is on the minus strand). VCF-style: chr9-108931098-C-T. GRCh37 (hg19) VCF-style: chr9-111693378-C-T.
Other names: c.-811G>A (NM_001330749.2); c.-252-42G>A (NM_001318360.2); short protein forms G17S.
Identifiers: ClinVar variation 1434178 (VCV001434178.8), dbSNP rs1829991757, ClinGen allele CA374395172.